The following is an entry in ClinVar:

NM_015378.4(VPS13D):c.1727A>G (p.Gln576Arg)

Gene: VPS13D (vacuolar protein sorting 13 homolog D; plus strand). Cytogenetic location: 1p36.22.
Variant type: single nucleotide variant.
Coding change: c.1727A>G on transcript NM_015378.4 (MANE Select); coding-DNA position 1727, A replaced by G.
Protein change: p.Gln576Arg; replaces glutamine 576 with arginine.
Molecular consequence: missense variant.
Genome position (GRCh38, 1-based): chr1:12,267,846, A>G. VCF-style: chr1-12267846-A-G. GRCh37 (hg19) VCF-style: chr1-12327903-A-G.
Other names: c.1727A>G, p.Gln576Arg (NM_018156.4); short protein forms Q576R.
Identifiers: ClinVar variation 2174051 (VCV002174051.1), dbSNP rs764108503, ClinGen allele CA601615.

ClinVar aggregate classification (germline): Uncertain significance (1 of 4 stars; one submission).

Allele frequency attached by ClinVar (database versions not stated): gnomAD exomes below 0.00001; ExAC 0.00001; TOPMed 0.00001.
gnomAD v4.1: 4 of 1,614,072 alleles (0.00025%); highest among the groups gnomAD compares: Admixed American, 0.005%; no homozygotes.

Submission:

Labcorp Genetics (formerly Invitae), Labcorp
Classification: Uncertain significance. Last evaluated: 2022-10-18. Review status: criteria provided, single submitter. Criteria: Invitae Variant Classification Sherloc (09022015). Collection method: clinical testing. Allele origin: germline.
Comment: This sequence change replaces glutamine, which is neutral and polar, with arginine, which is basic and polar, at codon 576 of the VPS13D protein (p.Gln576Arg). This variant is present in population databases (rs764108503, gnomAD 0.009%). This variant has not been reported in the literature in individuals affected with VPS13D-related conditions. Algorithms developed to predict the effect of missense changes on protein structure and function (SIFT, PolyPhen-2, Align-GVGD) all suggest that this variant is likely to be tolerated. In summary, the available evidence is currently insufficient to determine the role of this variant in disease. Therefore, it has been classified as a Variant of Uncertain Significance.